The following is an entry in ClinVar:

NM_007327.4(GRIN1):c.1437G>A (p.Val479=)

Gene: GRIN1 (glutamate ionotropic receptor NMDA type subunit 1; plus strand). Cytogenetic location: 9q34.3.
Variant type: single nucleotide variant.
Coding change: c.1437G>A on transcript NM_007327.4 (MANE Select); coding-DNA position 1437, G replaced by A.
Protein change: p.Val479=; no amino-acid change (valine 479 retained).
Molecular consequence: synonymous variant.
Genome position (GRCh38, 1-based): chr9:137,161,386, G>A. VCF-style: chr9-137161386-G-A. GRCh37 (hg19) VCF-style: chr9-140055838-G-A.
Other names: c.1437G>A, p.Val479= (NM_000832.7, NM_021569.4); c.1500G>A, p.Val500= (NM_001185090.2, NM_001185091.2).
Identifiers: ClinVar variation 211108 (VCV000211108.8), dbSNP rs797045604, ClinGen allele CA207063.

ClinVar aggregate classification (germline): Conflicting classifications of pathogenicity. Review status: criteria provided, conflicting classifications (1 of 4 stars). 2 submissions from 2 submitters: Uncertain significance (1); Likely benign (1). Last evaluated 2026-04-01.

Allele frequency attached by ClinVar (database versions not stated): gnomAD exomes below 0.00001; gnomAD 0.00001; TOPMed 0.00001.
gnomAD v4.1: 5 of 1,612,358 alleles (0.00031%); highest among the groups gnomAD compares: Non-Finnish European, 0.00042%; no homozygotes.

Submissions (2):

CeGaT Center for Human Genetics Tuebingen
Classification: Likely benign. Last evaluated: 2026-04-01. Review status: criteria provided, single submitter. Criteria: CeGaT Center For Human Genetics Tuebingen Variant Classification Criteria Version 2. Collection method: clinical testing. Allele origin: germline. Affected: yes. Observed: 1 variant allele.
Comment: GRIN1: BP4, BP7

Genetic Services Laboratory, University of Chicago
Classification: Uncertain significance. Last evaluated: 2015-05-04. Review status: criteria provided, single submitter. Criteria: ACMG Guidelines, 2015. Collection method: clinical testing. Allele origin: germline.